The following is an entry in ClinVar:

NM_000166.6(GJB1):c.605T>A (p.Ile202Asn)

Gene: GJB1 (gap junction protein beta 1; plus strand). Cytogenetic location: Xq13.1.
Variant type: single nucleotide variant.
Coding change: c.605T>A on transcript NM_000166.6 (MANE Select); coding-DNA position 605, T replaced by A.
Protein change: p.Ile202Asn; replaces isoleucine 202 with asparagine.
Molecular consequence: missense variant.
Genome position (GRCh38, 1-based): chrX:71,224,312, T>A. VCF-style: chrX-71224312-T-A. GRCh37 (hg19) VCF-style: chrX-70444162-T-A.
Other names: c.605T>A, p.Ile202Asn (NM_001097642.3); short protein forms I202N.
Identifiers: ClinVar variation 429210 (VCV000429210.3), dbSNP rs1131691258, ClinGen allele CA413503276.

ClinVar aggregate classification (germline): Pathogenic (1 of 4 stars; one submission).

Submission:

GeneDx
Classification: Pathogenic. Last evaluated: 2023-06-22. Review status: criteria provided, single submitter. Criteria: GeneDx Variant Classification Process June 2021. Collection method: clinical testing. Allele origin: germline. Affected: yes.
Comment: Not observed at significant frequency in large population cohorts (gnomAD); Missense variants in this gene are often considered pathogenic (HGMD); In silico analysis supports that this missense variant has a deleterious effect on protein structure/function; This variant is associated with the following publications: (PMID: 31943912, Ramaswamy_2021)